The following is an entry in ClinVar:

ClinVar aggregate classification (germline): Uncertain significance. Review status: criteria provided, multiple submitters, no conflicts (2 of 4 stars). 2 submissions from 2 submitters: Uncertain significance (2). Last evaluated 2025-07-06.

Conditions:
Inborn genetic diseases. Identifiers: MedGen C0950123, MeSH D030342.
Brachyolmia-amelogenesis imperfecta syndrome. Also called: Tooth agenesis, selective, 6; Dental anomalies and short stature; PLATYSPONDYLY WITH AMELOGENESIS IMPERFECTA. Identifiers: Orphanet 2899, MedGen C1832594, MONDO:0011018, OMIM 601216. Disease mechanism: loss of function.

gnomAD v4.1: 6 of 1,613,926 alleles (0.00037%); highest among the groups gnomAD compares: Admixed American, 0.0017%; no homozygotes.

Submissions (2):

Labcorp Genetics (formerly Invitae), Labcorp
Classification: Uncertain significance for Brachyolmia-amelogenesis imperfecta syndrome. Last evaluated: 2025-07-06. Review status: criteria provided, single submitter. Criteria: Invitae Variant Classification Sherloc (09022015). Collection method: clinical testing. Allele origin: germline.
Comment: This sequence change replaces arginine, which is basic and polar, with tryptophan, which is neutral and slightly polar, at codon 821 of the LTBP3 protein (p.Arg821Trp). This variant is present in population databases (rs758861823, gnomAD 0.002%). This variant has not been reported in the literature in individuals affected with LTBP3-related conditions. ClinVar contains an entry for this variant (Variation ID: 3868963). An algorithm developed to predict the effect of missense changes on protein structure and function (PolyPhen-2) suggests that this variant is likely to be disruptive. In summary, the available evidence is currently insufficient to determine the role of this variant in disease. Therefore, it has been classified as a Variant of Uncertain Significance.

Ambry Genetics
Classification: Uncertain significance for Inborn genetic diseases. Last evaluated: 2025-01-27. Review status: criteria provided, single submitter. Criteria: Ambry Variant Classification Scheme 2023. Collection method: clinical testing. Allele origin: germline.
Comment: The p.R821W variant (also known as c.2461C>T), located in coding exon 17 of the LTBP3 gene, results from a C to T substitution at nucleotide position 2461. The arginine at codon 821 is replaced by tryptophan, an amino acid with dissimilar properties. This amino acid position is conserved. In addition, the in silico prediction for this alteration is inconclusive. Based on the available evidence, the clinical significance of this variant remains unclear.

NM_001130144.3(LTBP3):c.2461C>T (p.Arg821Trp)

Gene: LTBP3 (latent transforming growth factor beta binding protein 3; minus strand). Cytogenetic location: 11q13.1.
Variant type: single nucleotide variant.
Coding change: c.2461C>T on transcript NM_001130144.3 (MANE Select); coding-DNA position 2461, C replaced by T.
Protein change: p.Arg821Trp; replaces arginine 821 with tryptophan.
Molecular consequence: missense variant.
Genome position (GRCh38, 1-based): chr11:65,543,442, G>A on the plus strand (C>T on the coding strand, the complement: LTBP3 is on the minus strand). VCF-style: chr11-65543442-G-A. GRCh37 (hg19) VCF-style: chr11-65310913-G-A.
Other names: c.2110C>T, p.Arg704Trp (NM_001164266.1); c.2461C>T, p.Arg821Trp (NM_021070.4); short protein forms R821W, R704W.
Identifiers: ClinVar variation 3868963 (VCV003868963.2).
Genomic context (GRCh38, chr11:65,543,442, plus strand): 5'-GGGTAGGGAGGGACAGGTCAGCACCCCAGCTCTAAGATCCCTCACCCTCGCAGTGGCTCC[G>A]GTCCCTGGACAGATGGTAGCCAGAGAGGCACTGACACTGGAAAGATCCTGGCGTGTTGCT-3'
Protein context (NP_001123616.1, residues 811-831): CLSGYHLSRD[Arg821Trp]SHCEDIDECD